The following is an entry in ClinVar:

ClinVar aggregate classification (germline): Conflicting classifications of pathogenicity. Review status: criteria provided, conflicting classifications (1 of 4 stars). 4 submissions from 4 submitters: Uncertain significance (3); Likely benign (1). Last evaluated 2025-09-09.

Conditions:
Inborn genetic diseases. Identifiers: MedGen C0950123, MeSH D030342.
CREBBP-related disorder. Also called: CREBBP-related condition; CREBBP-related disorders.

gnomAD v4.1: 6 of 1,612,038 alleles (0.00037%); highest among the groups gnomAD compares: East Asian, 0.0022%; no homozygotes.

Submissions (4):

GeneDx
Classification: Uncertain significance. Last evaluated: 2025-09-09. Review status: criteria provided, single submitter. Criteria: GeneDx Variant Classification Process June 2021. Collection method: clinical testing. Allele origin: germline. Affected: yes.
Comment: In silico analysis supports a deleterious effect on splicing; Has not been previously published as pathogenic or benign to our knowledge

PreventionGenetics, part of Exact Sciences
Classification: Uncertain significance for CREBBP-related condition. Last evaluated: 2025-01-07. Review status: criteria provided, single submitter. Criteria: ACMG Guidelines, 2015. Collection method: clinical testing. Allele origin: germline.
Comment: The CREBBP c.2284-4G>A variant is predicted to interfere with splicing. To our knowledge, this variant has not been reported in the literature. This variant is reported in 0.0033% of alleles in individuals of South Asian descent in gnomAD. At this time, the clinical significance of this variant is uncertain due to the absence of conclusive functional and genetic evidence.

Blueprint Genetics
Classification: Likely benign. Last evaluated: 2020-08-18. Review status: criteria provided, single submitter. Criteria: ACMG Guidelines, 2015. Collection method: clinical testing. Allele origin: germline.

Ambry Genetics
Classification: Uncertain significance for Inborn genetic diseases. Last evaluated: 2019-05-19. Review status: criteria provided, single submitter. Criteria: Ambry Variant Classification Scheme 2023. Collection method: clinical testing. Allele origin: germline.
Comment: The c.2284-4G>A intronic variant results from a G to A substitution 4 nucleotides upstream from coding exon 13 in the CREBBP gene. This nucleotide position is poorly conserved in available vertebrate species. Using the BDGP and ESEfinder splice site prediction tools, this alteration is not predicted to have any significant effect on this splice acceptor/donor site; however, direct evidence is unavailable. Since supporting evidence is limited at this time, the clinical significance of this alteration remains unclear.

NM_004380.3(CREBBP):c.2284-4G>A

Gene: CREBBP (CREB binding lysine acetyltransferase; minus strand). Cytogenetic location: 16p13.3.
Variant type: single nucleotide variant.
Coding change: c.2284-4G>A on transcript NM_004380.3 (MANE Select); 4 bases into the intron before coding-DNA position 2284, G replaced by A.
Molecular consequence: intron variant.
Genome position (GRCh38, 1-based): chr16:3,773,934, C>T on the plus strand (G>A on the coding strand, the complement: CREBBP is on the minus strand). VCF-style: chr16-3773934-C-T. GRCh37 (hg19) VCF-style: chr16-3823935-C-T.
Other names: c.2170-4G>A (NM_001079846.1).
Identifiers: ClinVar variation 1788984 (VCV001788984.5), dbSNP rs200764566, ClinGen allele CA620714669.